The following is an entry in ClinVar:

NM_020831.6(MRTFA):c.1079C>T (p.Ala360Val)

Gene: MRTFA (myocardin related transcription factor A; minus strand). Cytogenetic location: 22q13.1.
Variant type: single nucleotide variant.
Coding change: c.1079C>T on transcript NM_020831.6 (MANE Select); coding-DNA position 1079, C replaced by T.
Protein change: p.Ala360Val; replaces alanine 360 with valine.
Molecular consequence: missense variant.
Genome position (GRCh38, 1-based): chr22:40,420,949, G>A on the plus strand (C>T on the coding strand, the complement: MRTFA is on the minus strand). VCF-style: chr22-40420949-G-A. GRCh37 (hg19) VCF-style: chr22-40816953-G-A.
Other names: c.779C>T, p.Ala260Val (NM_001282660.2); c.929C>T, p.Ala310Val (NM_001282661.3); c.1079C>T, p.Ala360Val (NM_001282662.3); c.884C>T, p.Ala295Val (NM_001318139.2); short protein forms A295V, A360V, A260V, A310V.
Identifiers: ClinVar variation 4754158 (VCV004754158.1).
Genomic context (GRCh38, chr22:40,420,949, plus strand): 5'-TGCTGCTGCTGGTTGAGGATCTGCAGCTGGAGGAAGAGCTGCTGCTGCTGCAGGATCTTG[G>A]CGTAGGATGAGTCCATGGGGGGTGCCCCCCTGTCCTGCTTCTGGTCCGGGGGGATGTACT-3'
Protein context (NP_065882.2, residues 350-370): RGAPPMDSSY[Ala360Val]KILQQQQLFL

ClinVar aggregate classification (germline): Uncertain significance (1 of 4 stars; one submission).

gnomAD v4.1: 10 of 1,613,996 alleles (0.00062%); highest among the groups gnomAD compares: Admixed American, 0.0033%; no homozygotes.

Submission:

Labcorp Genetics (formerly Invitae), Labcorp
Classification: Uncertain significance. Last evaluated: 2025-04-11. Review status: criteria provided, single submitter. Criteria: Invitae Variant Classification Sherloc (09022015). Collection method: clinical testing. Allele origin: germline.
Comment: This sequence change replaces alanine, which is neutral and non-polar, with valine, which is neutral and non-polar, at codon 260 of the MKL1 protein (p.Ala260Val). This variant is present in population databases (no rsID available, gnomAD 0.006%). This variant has not been reported in the literature in individuals affected with MKL1-related conditions. An algorithm developed to predict the effect of missense changes on protein structure and function (PolyPhen-2) suggests that this variant is likely to be disruptive. In summary, the available evidence is currently insufficient to determine the role of this variant in disease. Therefore, it has been classified as a Variant of Uncertain Significance.